The following is an entry in ClinVar:

ClinVar aggregate classification (germline): Uncertain significance (1 of 4 stars; one submission).

gnomAD v4.1: 17 of 1,613,622 alleles (0.0011%); highest among the groups gnomAD compares: Non-Finnish European, 0.0014%; no homozygotes.

Submission:

Labcorp Genetics (formerly Invitae), Labcorp
Classification: Uncertain significance. Last evaluated: 2022-02-22. Review status: criteria provided, single submitter. Criteria: Invitae Variant Classification Sherloc (09022015). Collection method: clinical testing. Allele origin: germline.
Comment: In summary, the available evidence is currently insufficient to determine the role of this variant in disease. Therefore, it has been classified as a Variant of Uncertain Significance. Algorithms developed to predict the effect of missense changes on protein structure and function are either unavailable or do not agree on the potential impact of this missense change (SIFT: "Tolerated"; PolyPhen-2: "Possibly Damaging"; Align-GVGD: "Class C0"). This variant has not been reported in the literature in individuals affected with ESRRB-related conditions. This variant is not present in population databases (gnomAD no frequency). This sequence change replaces histidine, which is basic and polar, with glutamine, which is neutral and polar, at codon 371 of the ESRRB protein (p.His371Gln).

NM_001379180.1(ESRRB):c.1176C>A (p.His392Gln)

Gene: ESRRB (estrogen related receptor beta; plus strand). Cytogenetic location: 14q24.3.
Variant type: single nucleotide variant.
Coding change: c.1176C>A on transcript NM_001379180.1 (MANE Select); coding-DNA position 1176, C replaced by A.
Protein change: p.His392Gln; replaces histidine 392 with glutamine.
Molecular consequence: missense variant.
Genome position (GRCh38, 1-based): chr14:76,498,269, C>A. VCF-style: chr14-76498269-C-A. GRCh37 (hg19) VCF-style: chr14-76964612-C-A.
Other names: c.1128C>A, p.His376Gln (NM_001411038.1); c.1113C>A, p.His371Gln (NM_004452.4); short protein forms H376Q, H392Q, H371Q.
Identifiers: ClinVar variation 1915527 (VCV001915527.5), dbSNP rs370193367, ClinGen allele CA390479487.